The following is an entry in ClinVar:

ClinVar aggregate classification (germline): Likely benign (1 of 4 stars; one submission).

Submission:

CeGaT Center for Human Genetics Tuebingen
Classification: Likely benign. Last evaluated: 2025-09-01. Review status: criteria provided, single submitter. Criteria: CeGaT Center For Human Genetics Tuebingen Variant Classification Criteria Version 2. Collection method: clinical testing. Allele origin: germline. Affected: yes. Observed: 1 variant allele.
Comment: RP1L1: BP4, BP7

NM_178857.6(RP1L1):c.993G>T (p.Leu331=)

Gene: RP1L1 (RP1 like 1). Cytogenetic location: 8p23.1.
Variant type: single nucleotide variant.
Coding change: c.993G>T on transcript NM_178857.6 (MANE Select); coding-DNA position 993, G replaced by T.
Protein change: p.Leu331=; no amino-acid change (leucine 331 retained).
Molecular consequence: synonymous variant.
Genome position (GRCh38, 1-based): chr8:10,613,105, C>A on the plus strand (G>T on the coding strand, the complement: RP1L1 is on the minus strand). VCF-style: chr8-10613105-C-A. GRCh37 (hg19) VCF-style: chr8-10470615-C-A.
Identifiers: ClinVar variation 4280903 (VCV004280903.7).